The following is an entry in ClinVar:

ClinVar aggregate classification (germline): Uncertain significance. Review status: criteria provided, multiple submitters, no conflicts (2 of 4 stars). 2 submissions from 2 submitters: Uncertain significance (2). Last evaluated 2025-11-11.

gnomAD v4.1: 30 of 1,323,758 alleles (0.0023%); highest among the groups gnomAD compares: Non-Finnish European, 0.0028%; no homozygotes.

Submissions (2):

Labcorp Genetics (formerly Invitae), Labcorp
Classification: Uncertain significance. Last evaluated: 2025-11-11. Review status: criteria provided, single submitter. Criteria: Invitae Variant Classification Sherloc (09022015). Collection method: clinical testing. Allele origin: germline.
Comment: This sequence change replaces valine, which is neutral and non-polar, with alanine, which is neutral and non-polar, at codon 1210 of the ERCC6L2 protein (p.Val1210Ala). This variant is present in population databases (rs780228746, gnomAD 0.004%). This variant has not been reported in the literature in individuals affected with ERCC6L2-related conditions. Experimental studies and prediction algorithms are not available or were not evaluated, and the functional significance of this variant is currently unknown. In summary, the available evidence is currently insufficient to determine the role of this variant in disease. Therefore, it has been classified as a Variant of Uncertain Significance.

Blueprint Genetics
Classification: Uncertain significance. Last evaluated: 2020-09-02. Review status: criteria provided, single submitter. Criteria: ACMG Guidelines, 2015. Collection method: clinical testing. Allele origin: germline.

NM_020207.7(ERCC6L2):c.3596T>C (p.Val1199Ala)

Gene: ERCC6L2 (ERCC excision repair 6 like 2; plus strand). Cytogenetic location: 9q22.32.
Variant type: single nucleotide variant.
Coding change: c.3596T>C on transcript NM_020207.7 (MANE Select); coding-DNA position 3596, T replaced by C.
Protein change: p.Val1199Ala; replaces valine 1199 with alanine.
Molecular consequence: missense variant. On other transcripts: non-coding transcript variant (1).
Genome position (GRCh38, 1-based): chr9:96,004,623, T>C. VCF-style: chr9-96004623-T-C. GRCh37 (hg19) VCF-style: chr9-98766905-T-C.
Other names: c.3596T>C, p.Val1199Ala (NM_001375291.1, NM_001375292.1); short protein forms V1199A.
Identifiers: ClinVar variation 4691075 (VCV004691075.2).
Genomic context (GRCh38, chr9:96,004,623, plus strand): 5'-AGAAAGGCCAGCAACCGAGTGAAGGCAGCATTTCACTTCCTCTTTACATTTCAAATCCTG[T>C]AAACCAGAAGAAGAAAAAAGTCTACCATACAAACCAGACCACCTTCATAATTGGAGAAAC-3'
Protein context (NP_064592.3, residues 1189-1209): ISLPLYISNP[Val1199Ala]NQKKKKVYHT